The following is an entry in ClinVar:

NC_000023.10:g.(?_85211138)_(85236833_?)del

Gene: CHM (CHM Rab escort protein; minus strand). Cytogenetic location: Xq21.2.
Variant type: Deletion.
Identifiers: ClinVar variation 3245877 (VCV003245877.1).

ClinVar aggregate classification (germline): Pathogenic (1 of 4 stars; one submission).

Submission:

Labcorp Genetics (formerly Invitae), Labcorp
Classification: Pathogenic. Last evaluated: 2022-10-28. Review status: criteria provided, single submitter. Criteria: Invitae Variant Classification Sherloc (09022015). Collection method: clinical testing. Allele origin: unknown.
Comment: For these reasons, this variant has been classified as Pathogenic. A similar copy number variant has been observed in individual(s) with choroideremia (PMID: 27986385). This variant is a gross deletion of the genomic region encompassing exon(s) 3-8 of the CHM gene. This variant would be expected to be in-frame, preserving the integrity of the reading frame.

Literature cited by the submitters: PubMed 27986385.